The following is an entry in ClinVar:

NM_178452.6(DNAAF1):c.215G>T (p.Gly72Val)

Gene: DNAAF1 (dynein axonemal assembly factor 1; plus strand). Cytogenetic location: 16q24.1.
Variant type: single nucleotide variant.
Coding change: c.215G>T on transcript NM_178452.6 (MANE Select); coding-DNA position 215, G replaced by T.
Protein change: p.Gly72Val; replaces glycine 72 with valine.
Molecular consequence: missense variant.
Genome position (GRCh38, 1-based): chr16:84,149,097, G>T. VCF-style: chr16-84149097-G-T. GRCh37 (hg19) VCF-style: chr16-84182702-G-T.
Other names: short protein forms G72V.
Identifiers: ClinVar variation 3640052 (VCV003640052.2).

ClinVar aggregate classification (germline): Uncertain significance (1 of 4 stars; one submission).

Conditions:
Primary ciliary dyskinesia. Also called: Ciliary dyskinesia. Identifiers: Orphanet 244, MedGen C0008780, MONDO:0016575, HP:0012265.

Submission:

Labcorp Genetics (formerly Invitae), Labcorp
Classification: Uncertain significance for Primary ciliary dyskinesia. Last evaluated: 2024-02-10. Review status: criteria provided, single submitter. Criteria: Invitae Variant Classification Sherloc (09022015). Collection method: clinical testing. Allele origin: germline.
Comment: This sequence change replaces glycine, which is neutral and non-polar, with valine, which is neutral and non-polar, at codon 72 of the DNAAF1 protein (p.Gly72Val). This variant is not present in population databases (gnomAD no frequency). This variant has not been reported in the literature in individuals affected with DNAAF1-related conditions. An algorithm developed to predict the effect of missense changes on protein structure and function (PolyPhen-2) suggests that this variant is likely to be tolerated. In summary, the available evidence is currently insufficient to determine the role of this variant in disease. Therefore, it has been classified as a Variant of Uncertain Significance.